The following is an entry in ClinVar:

NM_004859.4(CLTC):c.4978A>G (p.Thr1660Ala)

Gene: CLTC (clathrin heavy chain; plus strand). Cytogenetic location: 17q23.1.
Variant type: single nucleotide variant.
Coding change: c.4978A>G on transcript NM_004859.4 (MANE Select); coding-DNA position 4978, A replaced by G.
Protein change: p.Thr1660Ala; replaces threonine 1660 with alanine.
Molecular consequence: missense variant.
Genome position (GRCh38, 1-based): chr17:59,693,802, A>G. VCF-style: chr17-59693802-A-G. GRCh37 (hg19) VCF-style: chr17-57771163-A-G.
Other names: c.4978A>G (NM_004859.3); c.4990A>G, p.Thr1664Ala (NM_001288653.2); short protein forms T1660A, T1664A.
Identifiers: ClinVar variation 1410332 (VCV001410332.7), dbSNP rs1411381430, ClinGen allele CA400425944.

ClinVar aggregate classification (germline): Uncertain significance. Review status: criteria provided, multiple submitters, no conflicts (2 of 4 stars). 2 submissions from 2 submitters: Uncertain significance (2). Last evaluated 2022-07-12.

Conditions:
Inborn genetic diseases. Identifiers: MedGen C0950123, MeSH D030342.

Allele frequency attached by ClinVar (database versions not stated): gnomAD 0.00001; gnomAD exomes 0.00001; TOPMed 0.00001.
gnomAD v4.1: 13 of 1,613,444 alleles (0.00081%); highest among the groups gnomAD compares: Non-Finnish European, 0.0011%; no homozygotes.

Submissions (2):

Ambry Genetics
Classification: Uncertain significance for Inborn genetic diseases. Last evaluated: 2022-07-12. Review status: criteria provided, single submitter. Criteria: Ambry Variant Classification Scheme 2023. Collection method: clinical testing. Allele origin: germline.

Labcorp Genetics (formerly Invitae), Labcorp
Classification: Uncertain significance. Last evaluated: 2021-12-28. Review status: criteria provided, single submitter. Criteria: Invitae Variant Classification Sherloc (09022015). Collection method: clinical testing. Allele origin: germline.
Comment: In summary, the available evidence is currently insufficient to determine the role of this variant in disease. Therefore, it has been classified as a Variant of Uncertain Significance. Algorithms developed to predict the effect of missense changes on protein structure and function are either unavailable or do not agree on the potential impact of this missense change (SIFT: "Tolerated"; PolyPhen-2: "Not Available"; Align-GVGD: "Class C0"). This variant has not been reported in the literature in individuals affected with CLTC-related conditions. This variant is present in population databases (no rsID available, gnomAD 0.007%). This sequence change replaces threonine, which is neutral and polar, with alanine, which is neutral and non-polar, at codon 1664 of the CLTC protein (p.Thr1664Ala).